The following is an entry in ClinVar:

ClinVar aggregate classification (germline): Pathogenic (1 of 4 stars; one submission).

Submission:

Labcorp Genetics (formerly Invitae), Labcorp
Classification: Pathogenic. Last evaluated: 2018-10-04. Review status: criteria provided, single submitter. Criteria: Invitae Variant Classification Sherloc (09022015). Collection method: clinical testing. Allele origin: germline.
Comment: This sequence change creates a premature translational stop signal (p.Leu548Tyrfs*7) in the MSH3 gene. It is expected to result in an absent or disrupted protein product. This variant is not present in population databases (ExAC no frequency). This variant has not been reported in the literature in individuals with MSH3-related disease. Loss-of-function variants in MSH3 are known to be pathogenic (PMID: 27476653). For these reasons, this variant has been classified as Pathogenic.

Literature cited by the submitters: PubMed 27476653.

NM_002439.5(MSH3):c.1642del (p.Leu548fs)

Gene: MSH3 (mutS homolog 3; plus strand). Cytogenetic location: 5q14.1.
Variant type: Deletion.
Coding change: c.1642del on transcript NM_002439.5 (MANE Select); coding-DNA position 1642, one base deleted (C; older notation c.1642delC).
Protein change: p.Leu548fs; shifts the reading frame from leucine 548.
Molecular consequence: frameshift variant.
Genome position (GRCh38, 1-based): chr5:80,741,537, C deleted; the last of 2 consecutive C bases (chr5:80,741,536-80,741,537); deleting either gives the same sequence. VCF-style (leftmost placement, unchanged base first): chr5-80741535-TC-T. GRCh37 (hg19) VCF-style: chr5-80037354-TC-T.
Other names: short protein forms L548fs.
Identifiers: ClinVar variation 651004 (VCV000651004.6), dbSNP rs1580597385, ClinGen allele CA915943391.
Genomic context (GRCh38, chr5:80,741,535, plus strand): 5'-AGCTATCAAGTAAAATGGAATTTATGACAATTAATGGAACAACATTAAGGAATCTGGAAA[TC>T]CTACAGAATCAGGTCAGGCAAATACAAGGGCTAGTTGATTATAAATCGTTTTGGGAAAAA-3'